The following is an entry in ClinVar:

ClinVar aggregate classification (germline): Pathogenic/Likely pathogenic. Review status: criteria provided, multiple submitters, no conflicts (2 of 4 stars). 7 submissions from 7 submitters: Pathogenic (5); Likely pathogenic (1). 1 of the submissions does not count toward it. Last evaluated 2025-07-08.

Conditions:
Eichsfeld type congenital muscular dystrophy (CMYO3). Also called: Rigid spine muscular dystrophy 1; MYOPATHY, SEPN1-RELATED; SELENON-related myopathy; Congenital myopathy 3 with rigid spine. Identifiers: MedGen C0410180, MONDO:0100100, OMIM 602771.
Congenital myopathy with fiber type disproportion. Also called: Congenital fiber-type disproportion myopathy; Congenital fiber-type disproportion. Identifiers: Orphanet 2020, MedGen C0546264, MONDO:0009711. Inheritance: all.

Submissions (7):

Women's Health and Genetics/Laboratory Corporation of America, LabCorp
Classification: Pathogenic for Eichsfeld type congenital muscular dystrophy. Last evaluated: 2025-07-08. Review status: criteria provided, single submitter. Criteria: LabCorp Variant Classification Summary - May 2015. Collection method: clinical testing. Allele origin: germline.
Comment: Variant summary: SELENON c.-11_81del92 results in deletion of 92 nucleotides starting upstream of and including the ATG translational start site. This sequence change affects the initiator methionine of the SELENON mRNA. The next in-frame methionine is located at codon 85. The variant allele was found at a frequency of 4.2e-05 in 23968 control chromosomes. c.-11_81del92 (also known as c.-19_+73del92) has been observed in multiple homozygous individuals affected with Mallory body-like inclusions Desmin-related myopathies (example: Gerreiro_2004). These data indicate that the variant is very likely to be associated with disease. The following publication has been ascertained in the context of this evaluation (PMID: 15122708). ClinVar contains an entry for this variant (Variation ID: 373075). Based on the evidence outlined above, the variant was classified as pathogenic.

Labcorp Genetics (formerly Invitae), Labcorp
Classification: Pathogenic for Eichsfeld type congenital muscular dystrophy. Last evaluated: 2025-05-30. Review status: criteria provided, single submitter. Criteria: Invitae Variant Classification Sherloc (09022015). Collection method: clinical testing. Allele origin: germline.
Comment: This sequence change affects the initiator codon of the SELENON mRNA. This change may impact translation initiation or efficiency. The next in-frame methionine is located at codon 85. This variant is present in population databases (no rsID available, gnomAD 0.01%). Disruption of the initiator codon has been observed in individual(s) with autosomal recessive SELENON-related myopathy (PMID: 16365872, 28688748). In at least one individual the data is consistent with being in trans (on the opposite chromosome) from a pathogenic variant. It has also been observed to segregate with disease in related individuals. This variant is also known as c.-19_+73del92 and c.1-11_81del92. ClinVar contains an entry for this variant (Variation ID: 373075). For these reasons, this variant has been classified as Pathogenic.

Fulgent Genetics
Classification: Likely pathogenic for Eichsfeld type congenital muscular dystrophy. Last evaluated: 2024-02-16. Review status: criteria provided, single submitter. Criteria: ACMG Guidelines, 2015. Collection method: clinical testing. Allele origin: germline.

Revvity Omics, Revvity
Classification: Pathogenic for Eichsfeld type congenital muscular dystrophy. Last evaluated: 2022-12-14. Review status: criteria provided, single submitter. Criteria: ACMG Guidelines, 2015. Collection method: clinical testing. Allele origin: germline.

GeneDx
Classification: Pathogenic. Last evaluated: 2018-01-25. Review status: criteria provided, single submitter. Criteria: GeneDx Variant Classification (06012015). Collection method: clinical testing. Allele origin: germline. Affected: yes.
Comment: The c.-11_81del92 variant in the SEPN1 gene has been reported previously, using alternate nomenclature c.-19_+73del92, in the homozygous state in one family with Mallory-body myopathy (Ferreiro et al., 2004), and in a patient with multiminicore disease who was heterozygous for the c.-11_81del92 variant and heterozygous for another SEPN1 variant (Clarke et al., 2006). The c.-11_81del92 variant causes the deletion of 92 nucleotides starting upstream of and including the ATG translational start site. It is not known if the loss of the translation start codon means that all protein translation is completed prevented, or if an abnormal protein is produced using an alternate Methionine. No data from control populations were available to assess the frequency of this variant. We interpret c.-11_81del92 as a pathogenic variant.

Genetic Services Laboratory, University of Chicago
Classification: Pathogenic for Myopathy, congenital, with fiber-type disproportion. Last evaluated: 2016-02-26. Review status: criteria provided, single submitter. Criteria: ACMG Guidelines, 2015. Collection method: clinical testing. Allele origin: germline. Affected: yes.

OMIM
Classification: Pathogenic for CONGENITAL MYOPATHY 3 WITH RIGID SPINE. Last evaluated: 2006-03-01. Review status: no assertion criteria provided. Collection method: literature only. Allele origin: germline. Not counted in ClinVar's aggregate classification.

Literature cited by the submitters: PubMed 15122708 (cited by Women's Health and Genetics/Laboratory Corporation of America, LabCorp and OMIM); PubMed 16365872 (cited by Labcorp Genetics (formerly Invitae), Labcorp and OMIM); PubMed 28688748 (cited by Labcorp Genetics (formerly Invitae), Labcorp); PubMed 7224095 (cited by OMIM).

NM_206926.2(SELENON):c.-11_81del (p.Met1fs)

Gene: SELENON (selenoprotein N; plus strand). Cytogenetic location: 1p36.11.
Variant type: Deletion.
Coding change: c.-11_81del on transcript NM_206926.2 (MANE Select); 11 bases upstream of the start codon through coding-DNA position 81, 92 bases deleted.
Protein change: p.Met1fs; shifts the reading frame from methionine 1.
Molecular consequence: frameshift variant, initiator codon variant.
Genome position (GRCh38, 1-based): chr1:25,800,220-25,800,311, 92 bases deleted. GRCh37 (hg19): chr1:26,126,711-26,126,802.
Other names: c.-11_81delCAGCCGCAGCCATGGGCCGGGCCCGGCCGGGCCAACGCGGGCCGCCCAGCCCCGGCCCCGCCGCGCAGCCTCCCGCGCCACCGCGCCGCCGC (NM_020451.2); c.-11_81del92 (NM_020451.3); c.-11_81del, p.Met1fs (NM_020451.3); short protein forms M1fs.
Identifiers: ClinVar variation 373075 (VCV000373075.24), dbSNP rs1557813850, ClinGen allele CA16042327.